The following is an entry in ClinVar:

ClinVar aggregate classification (germline): Pathogenic/Likely pathogenic. Review status: criteria provided, multiple submitters, no conflicts (2 of 4 stars). 3 submissions from 3 submitters: Pathogenic (1); Likely pathogenic (2). Last evaluated 2026-01-18.

Conditions:
Hereditary acrodermatitis enteropathica (AEZ). Also called: Acrodermatitis enteropathica. Identifiers: Orphanet 37, MedGen C0221036, MONDO:0008713, OMIM 201100.

Allele frequency attached by ClinVar (database versions not stated): gnomAD exomes below 0.00001; TOPMed below 0.00001.
gnomAD v4.1: 4 of 1,597,218 alleles (0.00025%); highest among the groups gnomAD compares: Non-Finnish European, 0.00026%; no homozygotes.

Submissions (3):

Natera, Inc.
Classification: Pathogenic for Acrodermatitis enteropathica. Last evaluated: 2026-01-18. Review status: criteria provided, single submitter. Criteria: Natera Variant Classification Schema (03/2026). Collection method: clinical testing. Allele origin: germline.
Comment: The c.475-2A>G variant in SLC39A4 is a canonical splice acceptor site variant predicted to affect pre-mRNA splicing, which may result in an abnormal transcript and altered protein product. This variant is expected to result in nonsense mediated decay, truncation, or a dysfunctional protein product. This variant is rare in the general population with a frequency below the threshold expected for the associated phenotype(s). This variant has been observed in one or more individuals affected with the associated recessive disease, as either homozygous or compound heterozygous with a second variant (PMID: 12955721). Given the available evidence, this variant is classified as Pathogenic.

Labcorp Genetics (formerly Invitae), Labcorp
Classification: Likely pathogenic. Last evaluated: 2025-12-17. Review status: criteria provided, single submitter. Criteria: Invitae Variant Classification Sherloc (09022015). Collection method: clinical testing. Allele origin: germline.
Comment: This sequence change affects an acceptor splice site in intron 2 of the SLC39A4 gene. It is expected to disrupt RNA splicing. Variants that disrupt the donor or acceptor splice site typically lead to a loss of protein function (PMID: 16199547), and loss-of-function variants in SLC39A4 are known to be pathogenic (PMID: 12955721). The frequency data for this variant in the population databases is considered unreliable, as metrics indicate poor data quality at this position in the gnomAD database. Disruption of this splice site has been observed in individual(s) with acrodermatitis enteropathica (PMID: 12955721). ClinVar contains an entry for this variant (Variation ID: 1481691). Algorithms developed to predict the effect of sequence changes on RNA splicing suggest that this variant may disrupt the consensus splice site. In summary, the currently available evidence indicates that the variant is pathogenic, but additional data are needed to prove that conclusively. Therefore, this variant has been classified as Likely Pathogenic.

Fulgent Genetics
Classification: Likely pathogenic for Hereditary acrodermatitis enteropathica. Last evaluated: 2021-07-29. Review status: criteria provided, single submitter. Criteria: ACMG Guidelines, 2015. Collection method: clinical testing. Allele origin: unknown.

Literature cited by the submitters: PubMed 12955721 (cited by Natera, Inc. and Labcorp Genetics (formerly Invitae), Labcorp); PubMed 16199547 (cited by Labcorp Genetics (formerly Invitae), Labcorp).

NM_130849.4(SLC39A4):c.475-2A>G

Gene: SLC39A4 (solute carrier family 39 member 4; minus strand). Cytogenetic location: 8q24.3.
Variant type: single nucleotide variant.
Coding change: c.475-2A>G on transcript NM_130849.4 (MANE Select); the canonical splice acceptor site of the intron before coding-DNA position 475, A replaced by G.
Molecular consequence: splice acceptor variant.
Genome position (GRCh38, 1-based): chr8:144,415,421, T>C on the plus strand (A>G on the coding strand, the complement: SLC39A4 is on the minus strand). VCF-style: chr8-144415421-T-C. GRCh37 (hg19) VCF-style: chr8-145640805-T-C.
Other names: c.193-2A>G (NM_001374839.1); c.400-2A>G (NM_017767.3); c.475-2A>G (NM_130849.3).
Identifiers: ClinVar variation 1481691 (VCV001481691.10), dbSNP rs1554873649, ClinGen allele CA372624907.